The following is an entry in ClinVar:

NM_001385012.1(NBEA):c.1240-3C>G

Gene: NBEA (neurobeachin; plus strand). Cytogenetic location: 13q13.3.
Variant type: single nucleotide variant.
Coding change: c.1240-3C>G on transcript NM_001385012.1 (MANE Select); 3 bases into the intron before coding-DNA position 1240, C replaced by G.
Molecular consequence: intron variant.
Genome position (GRCh38, 1-based): chr13:35,069,905, C>G. VCF-style: chr13-35069905-C-G. GRCh37 (hg19) VCF-style: chr13-35644042-C-G.
Other names: c.1240-3C>G (NM_015678.5, NM_001379245.1).
Identifiers: ClinVar variation 4813245 (VCV004813245.1).

ClinVar aggregate classification (germline): Uncertain significance (1 of 4 stars; one submission).

Submission:

GeneDx
Classification: Uncertain significance. Last evaluated: 2025-09-04. Review status: criteria provided, single submitter. Criteria: GeneDx Variant Classification Process June 2021. Collection method: clinical testing. Allele origin: germline. Affected: yes.
Comment: Not observed at significant frequency in large population cohorts (gnomAD); In silico analysis supports a deleterious effect on splicing; Has not been previously published as pathogenic or benign to our knowledge